The following is an entry in ClinVar:

ClinVar aggregate classification (germline): Uncertain significance (1 of 4 stars; one submission).

Conditions:
Early-onset Lafora body disease. Also called: Epilepsy, progressive myoclonic, 10. Identifiers: Orphanet 324290, MedGen C4225258, MONDO:0014717, OMIM 616640.

Submission:

Labcorp Genetics (formerly Invitae), Labcorp
Classification: Uncertain significance for Early-onset Lafora body disease. Last evaluated: 2022-07-19. Review status: criteria provided, single submitter. Criteria: Invitae Variant Classification Sherloc (09022015). Collection method: clinical testing. Allele origin: germline.
Comment: This variant has not been reported in the literature in individuals affected with PRDM8-related conditions. This sequence change replaces glycine, which is neutral and non-polar, with aspartic acid, which is acidic and polar, at codon 479 of the PRDM8 protein (p.Gly479Asp). This variant is not present in population databases (gnomAD no frequency). ClinVar contains an entry for this variant (Variation ID: 577000). Algorithms developed to predict the effect of missense changes on protein structure and function (SIFT, PolyPhen-2, Align-GVGD) all suggest that this variant is likely to be tolerated. In summary, the available evidence is currently insufficient to determine the role of this variant in disease. Therefore, it has been classified as a Variant of Uncertain Significance.

NM_001099403.2(PRDM8):c.1436G>A (p.Gly479Asp)

Gene: PRDM8 (PR/SET domain 8; plus strand). Cytogenetic location: 4q21.21.
Variant type: single nucleotide variant.
Coding change: c.1436G>A on transcript NM_001099403.2 (MANE Select); coding-DNA position 1436, G replaced by A.
Protein change: p.Gly479Asp; replaces glycine 479 with aspartic acid.
Molecular consequence: missense variant.
Genome position (GRCh38, 1-based): chr4:80,202,898, G>A. VCF-style: chr4-80202898-G-A. GRCh37 (hg19) VCF-style: chr4-81124052-G-A.
Other names: c.1436G>A, p.Gly479Asp (NM_020226.4); short protein forms G479D.
Identifiers: ClinVar variation 577000 (VCV000577000.8), dbSNP rs1560479017, ClinGen allele CA357400784.